The following is an entry in ClinVar:

NM_139215.3(TAF15):c.1428_1472dup (p.Gly507_Tyr508insGlyTyrGlyGlyAspArgGlyGlyTyrGlyGlyAspArgGlyGly)

Gene: TAF15 (TATA-box binding protein associated factor 15; plus strand). Cytogenetic location: 17q12.
Variant type: Duplication.
Coding change: c.1428_1472dup on transcript NM_139215.3 (MANE Select); coding-DNA positions 1428 to 1472, 45 bases duplicated.
Protein change: p.Gly507_Tyr508insGlyTyrGlyGlyAspArgGlyGlyTyrGlyGlyAspArgGlyGly.
Genome position (GRCh38, 1-based): chr17:35,844,727-35,844,771, 45 bases duplicated; duplicating any 45 consecutive bases within chr17:35,844,707-35,844,771 gives the same sequence; the c. name uses the placement nearest the transcript's 3' end. GRCh37 (hg19): chr17:34,171,731-34,171,775.
Other names: c.1419_1463dup, p.Gly504_Tyr505insGlyTyrGlyGlyAspArgGlyGlyTyrGlyGlyAspArgGlyGly (NM_003487.4); c.1428_1472dup45 (NM_139215.2); c.1428_1472dup (NM_139215.2).
Identifiers: ClinVar variation 3049643 (VCV003049643.3), dbSNP rs750957958, ClinGen allele CA728397436.

ClinVar aggregate classification (germline): Uncertain significance. Review status: criteria provided, single submitter (1 of 4 stars). 2 submissions from 2 submitters: Uncertain significance (1). 1 of the submissions does not count toward it. Last evaluated 2025-05-01.

Conditions:
TAF15-related disorder. Also called: TAF15-related condition.

Submissions (2):

GeneDx
Classification: Uncertain significance. Last evaluated: 2025-05-01. Review status: criteria provided, single submitter. Criteria: GeneDx Variant Classification Process June 2021. Collection method: clinical testing. Allele origin: germline. Affected: yes.
Comment: Not observed at significant frequency in large population cohorts (gnomAD); In-frame duplication of 15 amino acids in a non-repeat region; Has not been previously published as pathogenic or benign to our knowledge

PreventionGenetics, part of Exact Sciences
Classification: Likely benign for TAF15-related condition. Last evaluated: 2023-04-27. Review status: no assertion criteria provided. Collection method: clinical testing. Allele origin: germline. Not counted in ClinVar's aggregate classification.
Comment: This variant is classified as likely benign based on ACMG/AMP sequence variant interpretation guidelines (Richards et al. 2015 PMID: 25741868, with internal and published modifications).